The following is an entry in ClinVar:

ClinVar aggregate classification (germline): Uncertain significance (1 of 4 stars; one submission).

gnomAD v4.1: 1 of 1,613,510 alleles (0.000062%); highest among the groups gnomAD compares: African/African-American, 0.0013%; no homozygotes.

Submission:

Dasa
Classification: Uncertain significance. Last evaluated: 2025-06-02. Review status: criteria provided, single submitter. Criteria: DASA Assertion Criteria. Collection method: clinical testing. Allele origin: germline.
Comment: NM_003638.3(ITGA8):c.1231G>T (p.Ala411Ser) is a missense variant that results in the substitution of alanine with serine. This variant is rare in population databases. Computational prediction algorithms are consistent with a benign effect. The currently available literature and clinical evidence are not sufficient to establish a definitive association between this variant and the reported condition. Therefore, this variant is classified as a variant of uncertain significance.

NM_003638.3(ITGA8):c.1231G>T (p.Ala411Ser)

Gene: ITGA8 (integrin subunit alpha 8; minus strand). Cytogenetic location: 10p13.
Variant type: single nucleotide variant.
Coding change: c.1231G>T on transcript NM_003638.3 (MANE Select); coding-DNA position 1231, G replaced by T.
Protein change: p.Ala411Ser; replaces alanine 411 with serine.
Molecular consequence: missense variant.
Genome position (GRCh38, 1-based): chr10:15,644,198, C>A on the plus strand (G>T on the coding strand, the complement: ITGA8 is on the minus strand). VCF-style: chr10-15644198-C-A. GRCh37 (hg19) VCF-style: chr10-15686197-C-A.
Other names: c.1186G>T, p.Ala396Ser (NM_001291494.2); short protein forms A396S, A411S.
Identifiers: ClinVar variation 4882518 (VCV004882518.2).
Genomic context (GRCh38, chr10:15,644,198, plus strand): 5'-TGTTTAAGCCATCTTTGTTCCCATTATAAATGAGCACTTTGCCTCTTTGATCCTTGCCTG[C>A]AAAAGGCACTCCGATGGCAATGTCTAAAAACAGACATAAAACATGTTTTATGTGTATATG-3'
Protein context (NP_003629.2, residues 401-421): YNDIAIGVPF[Ala411Ser]GKDQRGKVLI